The following is an entry in ClinVar:

ClinVar aggregate classification (germline): Uncertain significance (1 of 4 stars; one submission).

Allele frequency attached by ClinVar (database versions not stated): gnomAD exomes below 0.00001; ExAC 0.00001.
gnomAD v4.1: 3 of 1,182,113 alleles (0.00025%); highest among the groups gnomAD compares: Admixed American, 0.0065%; no homozygotes.

Submission:

Labcorp Genetics (formerly Invitae), Labcorp
Classification: Uncertain significance. Last evaluated: 2024-05-07. Review status: criteria provided, single submitter. Criteria: Invitae Variant Classification Sherloc (09022015). Collection method: clinical testing. Allele origin: germline.
Comment: This sequence change falls in intron 39 of the CACNA1F gene. It does not directly change the encoded amino acid sequence of the CACNA1F protein. It affects a nucleotide within the consensus splice site. This variant is present in population databases (rs781914236, gnomAD 0.01%). This variant has not been reported in the literature in individuals affected with CACNA1F-related conditions. Variants that disrupt the consensus splice site are a relatively common cause of aberrant splicing (PMID: 17576681, 9536098). Algorithms developed to predict the effect of sequence changes on RNA splicing suggest that this variant is not likely to affect RNA splicing. In summary, the available evidence is currently insufficient to determine the role of this variant in disease. Therefore, it has been classified as a Variant of Uncertain Significance.

Literature cited by the submitters: PubMed 17576681; PubMed 9536098.

NM_001256789.3(CACNA1F):c.4588+3G>T

Genes: CACNA1F (calcium voltage-gated channel subunit alpha1 F; minus strand), LOC126863257 (BRD4-independent group 4 enhancer GRCh37_chrX:49065732-49066931; plus strand). Cytogenetic location: Xp11.23.
Variant type: single nucleotide variant.
Coding change: c.4588+3G>T on transcript NM_001256789.3 (MANE Select); 3 bases into the intron after coding-DNA position 4588, G replaced by T.
Molecular consequence: intron variant.
Genome position (GRCh38, 1-based): chrX:49,210,298, C>A on the plus strand (G>T on the coding strand, the complement: CACNA1F is on the minus strand). VCF-style: chrX-49210298-C-A. GRCh37 (hg19) VCF-style: chrX-49066758-C-A.
Other names: c.4621+3G>T (NM_005183.4); c.4426+3G>T (NM_001256790.3).
Identifiers: ClinVar variation 2875773 (VCV002875773.3), dbSNP rs781914236, ClinGen allele CA10410168.